The following is an entry in ClinVar:

NM_001042413.2(GLIS3):c.1711-9T>G

Gene: GLIS3 (GLIS family zinc finger 3; minus strand). Cytogenetic location: 9p24.2.
Variant type: single nucleotide variant.
Coding change: c.1711-9T>G on transcript NM_001042413.2 (MANE Select); 9 bases into the intron before coding-DNA position 1711, T replaced by G.
Molecular consequence: intron variant.
Genome position (GRCh38, 1-based): chr9:3,937,198, A>C on the plus strand (T>G on the coding strand, the complement: GLIS3 is on the minus strand). VCF-style: chr9-3937198-A-C. GRCh37 (hg19) VCF-style: chr9-3937198-A-C.
Other names: c.1246-9T>G (NM_152629.4).
Identifiers: ClinVar variation 1708708 (VCV001708708.2), dbSNP rs568069761, ClinGen allele CA4968095.

ClinVar aggregate classification (germline): Uncertain significance (1 of 4 stars; one submission).

Allele frequency attached by ClinVar (database versions not stated): gnomAD exomes 0.00001; ExAC 0.00002; TOPMed 0.00003; 1000 Genomes Project 0.00020.
gnomAD v4.1: 4 of 1,614,150 alleles (0.00025%); highest among the groups gnomAD compares: East Asian, 0.0089%; no homozygotes.

Submission:

GeneDx
Classification: Uncertain significance. Last evaluated: 2022-04-05. Review status: criteria provided, single submitter. Criteria: GeneDx Variant Classification Process June 2021. Collection method: clinical testing. Allele origin: germline. Affected: yes.
Comment: In silico analysis supports that this variant does not alter splicing; Has not been previously published as pathogenic or benign to our knowledge